The following is an entry in ClinVar:

ClinVar aggregate classification (germline): Uncertain significance (1 of 4 stars; one submission).

Conditions:
Nemaline myopathy 2 (NEM2). Also called: Nemaline myopathy 2, autosomal recessive. Identifiers: MedGen C1850569, MONDO:0009725, OMIM 256030.

Submission:

Labcorp Genetics (formerly Invitae), Labcorp
Classification: Uncertain significance for Nemaline myopathy 2. Last evaluated: 2022-02-02. Review status: criteria provided, single submitter. Criteria: Invitae Variant Classification Sherloc (09022015). Collection method: clinical testing. Allele origin: germline.
Comment: This sequence change replaces serine, which is neutral and polar, with tryptophan, which is neutral and slightly polar, at codon 7918 of the NEB protein (p.Ser7918Trp). This variant is not present in population databases (gnomAD no frequency). This variant has not been reported in the literature in individuals affected with NEB-related conditions. Algorithms developed to predict the effect of missense changes on protein structure and function are either unavailable or do not agree on the potential impact of this missense change (SIFT: "Deleterious"; PolyPhen-2: "Not Available"; Align-GVGD: "Class C0"). Algorithms developed to predict the effect of sequence changes on RNA splicing suggest that this variant may disrupt the consensus splice site. In summary, the available evidence is currently insufficient to determine the role of this variant in disease. Therefore, it has been classified as a Variant of Uncertain Significance.

NM_001164508.2(NEB):c.23648C>G (p.Ser7883Trp)

Genes: NEB (nebulin; minus strand), RIF1 (replication timing regulatory factor 1; plus strand). Cytogenetic location: 2q23.3.
Variant type: single nucleotide variant.
Coding change: c.23648C>G on transcript NM_001164508.2 (MANE Select); coding-DNA position 23648, C replaced by G.
Protein change: p.Ser7883Trp; replaces serine 7883 with tryptophan.
Molecular consequence: missense variant.
Genome position (GRCh38, 1-based): chr2:151,506,167, G>C on the plus strand (C>G on the coding strand, the complement: NEB is on the minus strand). VCF-style: chr2-151506167-G-C. GRCh37 (hg19) VCF-style: chr2-152362681-G-C.
Other names: c.23648C>G, p.Ser7883Trp (NM_001164507.2); c.23753C>G, p.Ser7918Trp (NM_001271208.2); c.18545C>G, p.Ser6182Trp (NM_004543.5); short protein forms S7918W, S6182W, S7883W.
Identifiers: ClinVar variation 1460880 (VCV001460880.5), dbSNP rs202191938, ClinGen allele CA348783576.
Genomic context (GRCh38, chr2:151,506,167, plus strand): 5'-CATTGTAAATTATCAAAGGGAGGCAGAAAATATTGCAAGTGCATTCACTGTGTCTTTACC[G>C]AGCTAATGTGGTCCTGTGTTTGTTTCACTCTCATCATCTCAGGTGTCTTTCCGATAGCCG-3'
Protein context (NP_001157980.2, residues 7873-7893): RVKQTQDHIS[Ser7883Trp]VKYKEAIGQG